The following is an entry in ClinVar:

ClinVar aggregate classification (germline): Benign (0 of 4 stars; one submission).

Conditions:
ADGRL2-related disorder. Also called: ADGRL2-related condition.

Allele frequency attached by ClinVar (database versions not stated): 1000 Genomes Project 0.00459; 1000 Genomes Project 30x 0.00515; TOPMed 0.00839; gnomAD 0.00842; ExAC 0.00917; ESP Exome Variant Server 0.01013; gnomAD exomes 0.01294.
gnomAD v4.1: 19,099 of 1,543,878 alleles (1.2%); highest among the groups gnomAD compares: Non-Finnish European, 1.5%; 173 homozygotes.

Submission:

PreventionGenetics, part of Exact Sciences
Classification: Benign for ADGRL2-related condition. Last evaluated: 2019-03-27. Review status: no assertion criteria provided. Collection method: clinical testing. Allele origin: germline.
Comment: This variant is classified as benign based on ACMG/AMP sequence variant interpretation guidelines (Richards et al. 2015 PMID: 25741868, with internal and published modifications).

NM_001366006.2(ADGRL2):c.3637+309A>G

Gene: ADGRL2 (adhesion G protein-coupled receptor L2; plus strand). Cytogenetic location: 1p31.1.
Variant type: single nucleotide variant.
Coding change: c.3637+309A>G on transcript NM_001366006.2 (MANE Select); 309 bases into the intron after coding-DNA position 3637, A replaced by G.
Molecular consequence: intron variant. On other transcripts: synonymous variant (3), 3 prime UTR variant (2), non-coding transcript variant (1).
Genome position (GRCh38, 1-based): chr1:81,987,338, A>G. VCF-style: chr1-81987338-A-G. GRCh37 (hg19) VCF-style: chr1-82453022-A-G.
Other names: c.3507A>G, p.Leu1169= (NM_001297705.3, NM_001393353.1); c.*44A>G (NM_001350699.2, NM_001393354.1); c.3546A>G, p.Leu1182= (NM_001366009.2); c.3637+309A>G (NM_001366003.2, NM_001366004.2, NM_001366008.2 and 3 more transcripts); c.3457+1983A>G (NM_001297704.3, NM_012302.5, NM_001393351.1 and 2 more transcripts); c.3496+1983A>G (NM_001330645.3, NM_001393350.1); c.3360+2627A>G (NM_001297706.3); c.3682+309A>G (NM_001366007.2).
Identifiers: ClinVar variation 3056110 (VCV003056110.2), dbSNP rs76995529, ClinGen allele CA923086.